The following is an entry in ClinVar:

NM_153240.5(NPHP3):c.3820G>T (p.Gly1274Ter)

Genes: NPHP3-ACAD11 (NPHP3-ACAD11 readthrough (NMD candidate); minus strand), NPHP3 (nephrocystin 3; minus strand). Cytogenetic location: 3q22.1.
Variant type: single nucleotide variant.
Coding change: c.3820G>T on transcript NM_153240.5 (MANE Select); coding-DNA position 3820, G replaced by T.
Protein change: p.Gly1274Ter; replaces glycine 1274 with a stop codon.
Molecular consequence: nonsense. On other transcripts: non-coding transcript variant (1).
Genome position (GRCh38, 1-based): chr3:132,682,083, C>A on the plus strand (G>T on the coding strand, the complement: NPHP3 is on the minus strand). VCF-style: chr3-132682083-C-A. GRCh37 (hg19) VCF-style: chr3-132400927-C-A.
Other names: short protein forms G1274*.
Identifiers: ClinVar variation 959343 (VCV000959343.9), dbSNP rs1939045407, ClinGen allele CA354578142.

ClinVar aggregate classification (germline): Pathogenic (1 of 4 stars; one submission).

Conditions:
Nephronophthisis. Also called: Juvenile Nephronophthisis. Identifiers: Orphanet 655, MedGen C0687120, MONDO:0019005, HP:0000090.

Submission:

Labcorp Genetics (formerly Invitae), Labcorp
Classification: Pathogenic for Nephronophthisis. Last evaluated: 2025-04-16. Review status: criteria provided, single submitter. Criteria: Invitae Variant Classification Sherloc (09022015). Collection method: clinical testing. Allele origin: germline.
Comment: This sequence change creates a premature translational stop signal (p.Gly1274*) in the NPHP3 gene. While this is not anticipated to result in nonsense mediated decay, it is expected to disrupt the last 57 amino acid(s) of the NPHP3 protein. This variant is not present in population databases (gnomAD no frequency). This variant has not been reported in the literature in individuals affected with NPHP3-related conditions. ClinVar contains an entry for this variant (Variation ID: 959343). This variant disrupts a region of the NPHP3 protein in which other variant(s) (p.Gly1275del) have been determined to be pathogenic (PMID: 12872122). This suggests that this is a clinically significant region of the protein, and that variants that disrupt it are likely to be disease-causing. For these reasons, this variant has been classified as Pathogenic.

Literature cited by the submitters: PubMed 12872122.